The following is an entry in ClinVar:

NM_001458.5(FLNC):c.2227T>C (p.Ser743Pro)

Gene: FLNC (filamin C; plus strand). Cytogenetic location: 7q32.1.
Variant type: single nucleotide variant.
Coding change: c.2227T>C on transcript NM_001458.5 (MANE Select); coding-DNA position 2227, T replaced by C.
Protein change: p.Ser743Pro; replaces serine 743 with proline.
Molecular consequence: missense variant.
Genome position (GRCh38, 1-based): chr7:128,842,336, T>C. VCF-style: chr7-128842336-T-C. GRCh37 (hg19) VCF-style: chr7-128482390-T-C.
Other names: c.2227T>C, p.Ser743Pro (NM_001127487.2); short protein forms S743P.
Identifiers: ClinVar variation 2200063 (VCV002200063.8), dbSNP rs1808368345, ClinGen allele CA369229396.
Genomic context (GRCh38, chr7:128,842,336, plus strand): 5'-GACGGCACCTTCCGCTGCTCCTACGTGCCCACCAAGCCCATTAAGCACACCATCATCATC[T>C]CCTGGGGAGGCGTAAACGTGCCCAAGAGCCCCTTCCGGGTGCGTCCTCCCGGCCTGCCCC-3'
Protein context (NP_001449.3, residues 733-753): TKPIKHTIII[Ser743Pro]WGGVNVPKSP

ClinVar aggregate classification (germline): Uncertain significance. Review status: criteria provided, multiple submitters, no conflicts (2 of 4 stars). 3 submissions from 3 submitters: Uncertain significance (3). Last evaluated 2025-11-19.

Conditions:
Cardiovascular phenotype. Identifiers: MedGen CN230736.
Distal myopathy with posterior leg and anterior hand involvement. Also called: WILLIAMS DISTAL MYOPATHY. Identifiers: Orphanet 63273, MedGen C3279722, MONDO:0013550, OMIM 614065.
Myofibrillar myopathy 5. Also called: Filaminopathy (type); FILAMINOPATHY, AUTOSOMAL DOMINANT. Identifiers: Orphanet 171445, MedGen C1836050, MONDO:0012289, OMIM 609524.
Hypertrophic cardiomyopathy 26. Also called: Cardiomyopathy, familial hypertrophic, 26. Identifiers: Orphanet 75249, MedGen C4310749, MONDO:0014883, OMIM 617047.
FLNC-related disorder. Also called: FLNC-related disorders; FLNC-related condition.

Allele frequency attached by ClinVar (database versions not stated): TOPMed below 0.00001.

Submissions (3):

Ambry Genetics
Classification: Uncertain significance for Cardiovascular phenotype. Last evaluated: 2025-11-19. Review status: criteria provided, single submitter. Criteria: Ambry Variant Classification Scheme 2023. Collection method: clinical testing. Allele origin: germline.

PreventionGenetics, part of Exact Sciences
Classification: Uncertain significance for FLNC-related condition. Last evaluated: 2025-09-01. Review status: criteria provided, single submitter. Criteria: ACMG Guidelines, 2015. Collection method: clinical testing. Allele origin: germline.
Comment: The FLNC c.2227T>C variant is predicted to result in the amino acid substitution p.Ser743Pro. To our knowledge, this variant has not been reported in the literature or in a large population database (gnomAD), indicating this variant is rare. At this time, the clinical significance of this variant is uncertain due to the absence of conclusive functional and genetic evidence.

Labcorp Genetics (formerly Invitae), Labcorp
Classification: Uncertain significance for Distal myopathy with posterior leg and anterior hand involvement; Myofibrillar myopathy 5; Hypertrophic cardiomyopathy 26. Last evaluated: 2024-10-21. Review status: criteria provided, single submitter. Criteria: Invitae Variant Classification Sherloc (09022015). Collection method: clinical testing. Allele origin: germline.
Comment: This sequence change replaces serine, which is neutral and polar, with proline, which is neutral and non-polar, at codon 743 of the FLNC protein (p.Ser743Pro). This variant is not present in population databases (gnomAD no frequency). This variant has not been reported in the literature in individuals affected with FLNC-related conditions. ClinVar contains an entry for this variant (Variation ID: 2200063). Invitae Evidence Modeling of protein sequence and biophysical properties (such as structural, functional, and spatial information, amino acid conservation, physicochemical variation, residue mobility, and thermodynamic stability) has been performed for this missense variant. However, the output from this modeling did not meet the statistical confidence thresholds required to predict the impact of this variant on FLNC protein function. In summary, the available evidence is currently insufficient to determine the role of this variant in disease. Therefore, it has been classified as a Variant of Uncertain Significance.